The following is an entry in ClinVar:

NM_001844.5(COL2A1):c.498_515del (p.163PPG[2])

Gene: COL2A1 (collagen type II alpha 1 chain; minus strand). Cytogenetic location: 12q13.11.
Variant type: Deletion.
Coding change: c.498_515del on transcript NM_001844.5 (MANE Select); coding-DNA positions 498 to 515, 18 bases deleted (TCCCGGCCCCCCTGGTCC).
Protein change: p.163PPG[2].
Molecular consequence: inframe deletion.
Genome position (GRCh38, 1-based): chr12:47,997,622-47,997,639, GGACCAGGGGGGCCGGGA deleted on the plus strand (TCCCGGCCCCCCTGGTCC on the coding strand, the reverse complement: COL2A1 is on the minus strand); deleting any 18 consecutive bases within chr12:47,997,622-47,997,653 gives the same sequence; the c. name uses the placement nearest the transcript's 3' end. VCF-style (leftmost placement, unchanged base first): chr12-47997621-GGGACCAGGGGGGCCGGGA-G. GRCh37 (hg19) VCF-style: chr12-48391404-GGGACCAGGGGGGCCGGGA-G.
Other names: c.291_308del, p.94PPG[2] (NM_033150.3).
Identifiers: ClinVar variation 1502807 (VCV001502807.6), dbSNP rs2136625933, ClinGen allele CA947346415.
Genomic context (GRCh38, chr12:47,997,621, plus strand): 5'-TTTCTGGAGGGACAGCCTGAAGGAATGGGAAGTAAGGATACTTACTCCACCAAGACCAGG[GGGACCAGGGGGGCCGGGA>G]GGACCAGGGGGGCCAGGATTTCCAGGGGTCCCAGGTTCTCCATCTCTGCCACGAGGTCCA-3'

ClinVar aggregate classification (germline): Uncertain significance (1 of 4 stars; one submission).

Submission:

Labcorp Genetics (formerly Invitae), Labcorp
Classification: Uncertain significance. Last evaluated: 2023-07-17. Review status: criteria provided, single submitter. Criteria: Invitae Variant Classification Sherloc (09022015). Collection method: clinical testing. Allele origin: germline.
Comment: In summary, the available evidence is currently insufficient to determine the role of this variant in disease. Therefore, it has been classified as a Variant of Uncertain Significance. Experimental studies and prediction algorithms are not available or were not evaluated, and the functional significance of this variant is currently unknown. ClinVar contains an entry for this variant (Variation ID: 1502807). This variant has not been reported in the literature in individuals affected with COL2A1-related conditions. This variant is not present in population databases (gnomAD no frequency). This variant, c.498_515del, results in the deletion of 6 amino acid(s) of the COL2A1 protein (p.Pro169_Gly174del), but otherwise preserves the integrity of the reading frame.